The following is an entry in ClinVar:

NM_014254.3(RXYLT1):c.479A>G (p.Asn160Ser)

Gene: RXYLT1 (ribitol xylosyltransferase 1; plus strand). Cytogenetic location: 12q14.2.
Variant type: single nucleotide variant.
Coding change: c.479A>G on transcript NM_014254.3 (MANE Select); coding-DNA position 479, A replaced by G.
Protein change: p.Asn160Ser; replaces asparagine 160 with serine.
Molecular consequence: missense variant. On other transcripts: 5 prime UTR variant (1).
Genome position (GRCh38, 1-based): chr12:63,802,141, A>G. VCF-style: chr12-63802141-A-G. GRCh37 (hg19) VCF-style: chr12-64195921-A-G.
Other names: c.-302A>G (NM_001278237.2); c.479A>G (NM_014254.1); short protein forms N160S.
Identifiers: ClinVar variation 1201447 (VCV001201447.9), dbSNP rs753749686, ClinGen allele CA6666120.

ClinVar aggregate classification (germline): Uncertain significance. Review status: criteria provided, multiple submitters, no conflicts (2 of 4 stars). 3 submissions from 3 submitters: Uncertain significance (3). Last evaluated 2025-02-05.

Conditions:
Inborn genetic diseases. Identifiers: MedGen C0950123, MeSH D030342.

Allele frequency attached by ClinVar (database versions not stated): ExAC 0.00001; gnomAD exomes 0.00001; TOPMed 0.00007; gnomAD 0.00009 and 0.00010.
gnomAD v4.1: 17 of 1,613,628 alleles (0.0011%); highest among the groups gnomAD compares: African/African-American, 0.02%; no homozygotes.

Submissions (3):

Ambry Genetics
Classification: Uncertain significance for Inborn genetic diseases. Last evaluated: 2025-02-05. Review status: criteria provided, single submitter. Criteria: Ambry Variant Classification Scheme 2023. Collection method: clinical testing. Allele origin: germline.

Labcorp Genetics (formerly Invitae), Labcorp
Classification: Uncertain significance. Last evaluated: 2022-08-19. Review status: criteria provided, single submitter. Criteria: Invitae Variant Classification Sherloc (09022015). Collection method: clinical testing. Allele origin: germline.
Comment: This sequence change replaces asparagine, which is neutral and polar, with serine, which is neutral and polar, at codon 160 of the RXYLT1 protein (p.Asn160Ser). This variant is present in population databases (rs753749686, gnomAD 0.03%). This variant has not been reported in the literature in individuals affected with RXYLT1-related conditions. ClinVar contains an entry for this variant (Variation ID: 1201447). Algorithms developed to predict the effect of missense changes on protein structure and function output the following: SIFT: "Tolerated"; PolyPhen-2: "Benign"; Align-GVGD: "Class C0". The serine amino acid residue is found in multiple mammalian species, which suggests that this missense change does not adversely affect protein function. Algorithms developed to predict the effect of sequence changes on RNA splicing suggest that this variant may create or strengthen a splice site. In summary, the available evidence is currently insufficient to determine the role of this variant in disease. Therefore, it has been classified as a Variant of Uncertain Significance.

GeneDx
Classification: Uncertain significance. Last evaluated: 2021-04-20. Review status: criteria provided, single submitter. Criteria: GeneDx Variant Classification Process June 2021. Collection method: clinical testing. Allele origin: germline. Affected: yes.
Comment: In silico analysis supports that this missense variant does not alter protein structure/function; Has not been previously published as pathogenic or benign to our knowledge; In silico analysis, which includes splice predictors and evolutionary conservation, suggests this variant may impact gene splicing. In the absence of RNA/functional studies, the actual effect of this sequence change is unknown.